The following is an entry in ClinVar:

NM_000350.3(ABCA4):c.1938-1G>A

Gene: ABCA4 (ATP binding cassette subfamily A member 4; minus strand). Cytogenetic location: 1p22.1.
Variant type: single nucleotide variant.
Coding change: c.1938-1G>A on transcript NM_000350.3 (MANE Select); the canonical splice acceptor site of the intron before coding-DNA position 1938, G replaced by A.
Molecular consequence: splice acceptor variant.
Genome position (GRCh38, 1-based): chr1:94,060,760, C>T on the plus strand (G>A on the coding strand, the complement: ABCA4 is on the minus strand). VCF-style: chr1-94060760-C-T. GRCh37 (hg19) VCF-style: chr1-94526316-C-T.
Other names: IVS13AS, G-A, -1.
Identifiers: ClinVar variation 99106 (VCV000099106.5), dbSNP rs61751263, ClinGen allele CA226963.
Genomic context (GRCh38, chr1:94,060,760, plus strand): 5'-GAGTAGATCCATGCCAGCACCATGAAGATAGGGAAACAGCGGTTCAGGATGATCATGAAA[C>T]TAAAGCAAAAGGAGAGAAGCAGAATAGTAGAGTGCTCTGTACCTGGTAGAGGCAGAATAA-3'

ClinVar aggregate classification (germline): Likely pathogenic. Review status: criteria provided, single submitter (1 of 4 stars). 5 submissions from 4 submitters: Likely pathogenic (1). 4 of the submissions do not count toward it. Last evaluated 2024-12-24.

Conditions:
Macular dystrophy. Identifiers: MedGen C0730292, HP:0007754.
Retinitis pigmentosa 19 (RP19). Also called: ABCA4-Related Retinitis Pigmentosa. Identifiers: Orphanet 791, MedGen C1866422, MONDO:0011137, OMIM 601718.
Severe early-childhood-onset retinal dystrophy (STGD1). Also called: MACULAR DYSTROPHY WITH FLECKS, TYPE 1; STGD; Stargardt disease 1; Stargardt macular dystrophy; Juvenile onset macular degeneration. Identifiers: Orphanet 364055, Orphanet 827, MedGen C1855465, MeSH D000080362, MONDO:0009549, OMIM 248200.

Allele frequency attached by ClinVar (database versions not stated): TOPMed below 0.00001; ExAC 0.00001; gnomAD exomes below 0.00001; gnomAD 0.00001.
gnomAD v4.1: 4 of 1,607,626 alleles (0.00025%); highest among the groups gnomAD compares: Non-Finnish European, 0.00026%; no homozygotes.

Submissions (5):

Labcorp Genetics (formerly Invitae), Labcorp
Classification: Likely pathogenic. Last evaluated: 2024-12-24. Review status: criteria provided, single submitter. Criteria: Invitae Variant Classification Sherloc (09022015). Collection method: clinical testing. Allele origin: germline.
Comment: This sequence change affects an acceptor splice site in intron 13 of the ABCA4 gene. It is expected to disrupt RNA splicing. Variants that disrupt the donor or acceptor splice site typically lead to a loss of protein function (PMID: 16199547), and loss-of-function variants in ABCA4 are known to be pathogenic (PMID: 10958761, 24938718, 25312043, 26780318). This variant is present in population databases (rs61751263, gnomAD 0.01%). Disruption of this splice site has been observed in individual(s) with ABCA4-related conditions (PMID: 10874631, 28041643, 29971439, 36819107, 38219857). ClinVar contains an entry for this variant (Variation ID: 99106). Algorithms developed to predict the effect of sequence changes on RNA splicing suggest that this variant may disrupt the consensus splice site. In summary, the currently available evidence indicates that the variant is pathogenic, but additional data are needed to prove that conclusively. Therefore, this variant has been classified as Likely Pathogenic.

NIHR Bioresource Rare Diseases, University of Cambridge
Classification: Pathogenic for Macular dystrophy. Last evaluated: 2015-01-01. Review status: no assertion criteria provided. Collection method: research. Allele origin: unknown. Affected: yes. Observed: 1 variant allele. Not counted in ClinVar's aggregate classification.

OMIM
Classification: Pathogenic for STARGARDT DISEASE 1. Last evaluated: 1999-06-01. Review status: no assertion criteria provided. Collection method: literature only. Allele origin: germline. Not counted in ClinVar's aggregate classification.

OMIM
Classification: Pathogenic for RETINITIS PIGMENTOSA 19. Last evaluated: 1999-06-01. Review status: no assertion criteria provided. Collection method: literature only. Allele origin: germline. Not counted in ClinVar's aggregate classification.

Retina International
No classification provided. Review status: no classification provided. Collection method: not provided. Allele origin: not provided. Not counted in ClinVar's aggregate classification.

Literature cited by the submitters: PubMed 16199547 (cited by Labcorp Genetics (formerly Invitae), Labcorp); PubMed 10958761 (cited by Labcorp Genetics (formerly Invitae), Labcorp); PubMed 24938718 (cited by Labcorp Genetics (formerly Invitae), Labcorp); PubMed 25312043 (cited by Labcorp Genetics (formerly Invitae), Labcorp); PubMed 26780318 (cited by Labcorp Genetics (formerly Invitae), Labcorp); PubMed 10874631 (cited by 3 submitters); PubMed 28041643 (cited by Labcorp Genetics (formerly Invitae), Labcorp and NIHR Bioresource Rare Diseases, University of Cambridge); PubMed 29971439 (cited by Labcorp Genetics (formerly Invitae), Labcorp); PubMed 36819107 (cited by Labcorp Genetics (formerly Invitae), Labcorp); PubMed 38219857 (cited by Labcorp Genetics (formerly Invitae), Labcorp).